The following is an entry in ClinVar:

ClinVar aggregate classification (germline): Uncertain significance. Review status: criteria provided, multiple submitters, no conflicts (2 of 4 stars). 2 submissions from 2 submitters: Uncertain significance (2). Last evaluated 2025-01-18.

Conditions:
Inborn genetic diseases. Identifiers: MedGen C0950123, MeSH D030342.
Dowling-Degos disease 2 (DDD2). Identifiers: Orphanet 79145, MedGen C3809147, MONDO:0014130, OMIM 615327.

Allele frequency attached by ClinVar (database versions not stated): TOPMed 0.00001; gnomAD exomes 0.00002 and 0.00004; gnomAD 0.00003 and 0.00004; ExAC 0.00005.

Submissions (2):

Ambry Genetics
Classification: Uncertain significance for Inborn genetic diseases. Last evaluated: 2025-01-18. Review status: criteria provided, single submitter. Criteria: Ambry Variant Classification Scheme 2023. Collection method: clinical testing. Allele origin: germline.

Labcorp Genetics (formerly Invitae), Labcorp
Classification: Uncertain significance for Dowling-Degos disease 2. Last evaluated: 2022-02-17. Review status: criteria provided, single submitter. Criteria: Invitae Variant Classification Sherloc (09022015). Collection method: clinical testing. Allele origin: germline.
Comment: This sequence change replaces threonine, which is neutral and polar, with methionine, which is neutral and non-polar, at codon 139 of the POFUT1 protein (p.Thr139Met). This variant is present in population databases (rs769388652, gnomAD 0.02%). This variant has not been reported in the literature in individuals affected with POFUT1-related conditions. ClinVar contains an entry for this variant (Variation ID: 1058589). Algorithms developed to predict the effect of missense changes on protein structure and function are either unavailable or do not agree on the potential impact of this missense change (SIFT: "Deleterious"; PolyPhen-2: "Probably Damaging"; Align-GVGD: "Class C15"). In summary, the available evidence is currently insufficient to determine the role of this variant in disease. Therefore, it has been classified as a Variant of Uncertain Significance.

NM_015352.2(POFUT1):c.416C>T (p.Thr139Met)

Gene: POFUT1 (protein O-fucosyltransferase 1; plus strand). Cytogenetic location: 20q11.21.
Variant type: single nucleotide variant.
Coding change: c.416C>T on transcript NM_015352.2 (MANE Select); coding-DNA position 416, C replaced by T.
Protein change: p.Thr139Met; replaces threonine 139 with methionine.
Molecular consequence: missense variant.
Genome position (GRCh38, 1-based): chr20:32,215,438, C>T. VCF-style: chr20-32215438-C-T. GRCh37 (hg19) VCF-style: chr20-30803241-C-T.
Other names: c.416C>T (NM_015352.1); c.416C>T, p.Thr139Met (NM_172236.2); short protein forms T139M.
Identifiers: ClinVar variation 1058589 (VCV001058589.10), dbSNP rs769388652, ClinGen allele CA9807202.